The following is an entry in ClinVar:

ClinVar aggregate classification (germline): Uncertain significance (1 of 4 stars; one submission).

Allele frequency attached by ClinVar (database versions not stated): gnomAD 0.00001 and 0.00003; 1000 Genomes Project 30x 0.00047; 1000 Genomes Project 0.00060.
gnomAD v4.1: 17 of 1,614,182 alleles (0.0011%); highest among the groups gnomAD compares: East Asian, 0.033%; no homozygotes.

Submission:

Labcorp Genetics (formerly Invitae), Labcorp
Classification: Uncertain significance. Last evaluated: 2023-12-28. Review status: criteria provided, single submitter. Criteria: Invitae Variant Classification Sherloc (09022015). Collection method: clinical testing. Allele origin: germline.
Comment: This sequence change replaces proline, which is neutral and non-polar, with threonine, which is neutral and polar, at codon 121 of the PPOX protein (p.Pro121Thr). This variant is present in population databases (rs532136485, gnomAD 0.05%). This variant has not been reported in the literature in individuals affected with PPOX-related conditions. ClinVar contains an entry for this variant (Variation ID: 1002893). Advanced modeling of protein sequence and biophysical properties (such as structural, functional, and spatial information, amino acid conservation, physicochemical variation, residue mobility, and thermodynamic stability) has been performed at Invitae for this missense variant, however the output from this modeling did not meet the statistical confidence thresholds required to predict the impact of this variant on PPOX protein function. In summary, the available evidence is currently insufficient to determine the role of this variant in disease. Therefore, it has been classified as a Variant of Uncertain Significance.

NM_001122764.3(PPOX):c.361C>A (p.Pro121Thr)

Gene: PPOX (protoporphyrinogen oxidase; plus strand). Cytogenetic location: 1q23.3.
Variant type: single nucleotide variant.
Coding change: c.361C>A on transcript NM_001122764.3 (MANE Select); coding-DNA position 361, C replaced by A.
Protein change: p.Pro121Thr; replaces proline 121 with threonine.
Molecular consequence: missense variant. On other transcripts: 5 prime UTR variant (4), intron variant (2).
Genome position (GRCh38, 1-based): chr1:161,168,017, C>A. VCF-style: chr1-161168017-C-A. GRCh37 (hg19) VCF-style: chr1-161137807-C-A.
Other names: c.361C>A, p.Pro121Thr (NM_000309.5, NM_001365398.1, NM_001365399.1); c.-67C>A (NM_001350129.2, NM_001365400.1); c.-126C>A (NM_001350130.2, NM_001365401.1); c.354-396C>A (NM_001350128.2); c.-34-396C>A (NM_001350131.2); short protein forms P121T.
Identifiers: ClinVar variation 1002893 (VCV001002893.9), dbSNP rs532136485, ClinGen allele CA1207131.